The following is an entry in ClinVar:

NM_001039876.3(SYNE4):c.618+1G>A

Gene: SYNE4 (spectrin repeat containing nuclear envelope family member 4; minus strand). Cytogenetic location: 19q13.12.
Variant type: single nucleotide variant.
Coding change: c.618+1G>A on transcript NM_001039876.3 (MANE Select); the canonical splice donor site of the intron after coding-DNA position 618, G replaced by A.
Molecular consequence: splice donor variant. On other transcripts: intron variant (1).
Genome position (GRCh38, 1-based): chr19:36,006,749, C>T on the plus strand (G>A on the coding strand, the complement: SYNE4 is on the minus strand). VCF-style: chr19-36006749-C-T. GRCh37 (hg19) VCF-style: chr19-36497651-C-T.
Other names: c.280-78G>A (NM_001297735.3).
Identifiers: ClinVar variation 2775787 (VCV002775787.3), dbSNP rs1976865905, ClinGen allele CA405433001.

ClinVar aggregate classification (germline): Likely pathogenic (1 of 4 stars; one submission).

gnomAD v4.1: 1 of 1,606,554 alleles (0.000062%); no homozygotes.

Submission:

Labcorp Genetics (formerly Invitae), Labcorp
Classification: Likely pathogenic. Last evaluated: 2024-01-18. Review status: criteria provided, single submitter. Criteria: Invitae Variant Classification Sherloc (09022015). Collection method: clinical testing. Allele origin: germline.
Comment: This sequence change affects a donor splice site in intron 4 of the SYNE4 gene. It is expected to disrupt RNA splicing. Variants that disrupt the donor or acceptor splice site typically lead to a loss of protein function (PMID: 16199547), and loss-of-function variants in SYNE4 are known to be pathogenic (PMID: 23348741, 28958982). This variant is not present in population databases (gnomAD no frequency). This variant has not been reported in the literature in individuals affected with SYNE4-related conditions. Algorithms developed to predict the effect of sequence changes on RNA splicing suggest that this variant may disrupt the consensus splice site. In summary, the currently available evidence indicates that the variant is pathogenic, but additional data are needed to prove that conclusively. Therefore, this variant has been classified as Likely Pathogenic.

Literature cited by the submitters: PubMed 16199547; PubMed 23348741; PubMed 28958982.